The following is an entry in ClinVar:

ClinVar aggregate classification (germline): Benign/Likely benign. Review status: criteria provided, multiple submitters, no conflicts (2 of 4 stars). 3 submissions from 3 submitters: Benign (1); Likely benign (2). Last evaluated 2025-03-13.

Conditions:
Hereditary cancer-predisposing syndrome. Also called: Tumor predisposition; Hereditary neoplastic syndrome; Neoplastic Syndromes, Hereditary; Hereditary Cancer Syndrome. Identifiers: Orphanet 140162, MedGen C0027672, MeSH D009386, MONDO:0015356.
Pheochromocytoma. Also called: MAX-Related Hereditary Paraganglioma-Pheochromocytoma Syndrome. Identifiers: Orphanet 29072, MedGen C0031511, MONDO:0008233, OMIM 171300, HP:0002666.
Pheochromocytoma/paraganglioma syndrome 4. Also called: SDHB-Related Hereditary Paraganglioma-Pheochromocytoma Syndrome (Paragangliomas 4); CAROTID BODY TUMORS AND MULTIPLE EXTRAADRENAL PHEOCHROMOCYTOMAS; PARAGANGLIOMA, FAMILIAL MALIGNANT; PARAGANGLIOMAS, HEREDITARY EXTRAADRENAL; SDHB-Related Hereditary Paraganglioma-Pheochromocytoma Syndrome; PHEOCHROMOCYTOMA, FAMILIAL EXTRAADRENAL. Identifiers: Orphanet 29072, MedGen C1861848, MONDO:0007273, OMIM 115310.
Gastrointestinal stromal tumor. Also called: Gastrointestinal stroma tumor; Gastrointestinal stromal tumor, somatic. Identifiers: Orphanet 44890, MedGen C0238198, MeSH D046152, MONDO:0011719, OMIM 606764, HP:0100723.

Allele frequency attached by ClinVar (database versions not stated): gnomAD exomes below 0.00001 and 0.00001.
gnomAD v4.1: 7 of 1,613,458 alleles (0.00043%); highest among the groups gnomAD compares: East Asian, 0.0022%; no homozygotes.

Submissions (3):

Myriad Genetics, Inc.
Classification: Benign for Pheochromocytoma/paraganglioma syndrome 4. Last evaluated: 2025-03-13. Review status: criteria provided, single submitter. Criteria: Myriad Autosomal Dominant, Autosomal Recessive and X-Linked Classification Criteria (2023). Collection method: clinical testing. Allele origin: unknown.
Comment: This variant is considered benign. This variant is a silent/synonymous amino acid change and it is not expected to impact splicing.

Ambry Genetics
Classification: Likely benign for Hereditary cancer-predisposing syndrome. Last evaluated: 2022-09-26. Review status: criteria provided, single submitter. Criteria: Ambry Variant Classification Scheme 2023. Collection method: clinical testing. Allele origin: germline.

Labcorp Genetics (formerly Invitae), Labcorp
Classification: Likely benign for Gastrointestinal stromal tumor; Pheochromocytoma/paraganglioma syndrome 4; Pheochromocytoma. Last evaluated: 2022-02-08. Review status: criteria provided, single submitter. Criteria: Invitae Variant Classification Sherloc (09022015). Collection method: clinical testing. Allele origin: germline.

NM_003000.3(SDHB):c.468T>C (p.Tyr156=)

Gene: SDHB (succinate dehydrogenase complex iron sulfur subunit B; minus strand). Cytogenetic location: 1p36.13.
Variant type: single nucleotide variant.
Coding change: c.468T>C on transcript NM_003000.3 (MANE Select); coding-DNA position 468, T replaced by C.
Protein change: p.Tyr156=; no amino-acid change (tyrosine 156 retained).
Molecular consequence: synonymous variant.
Genome position (GRCh38, 1-based): chr1:17,027,821, A>G on the plus strand (T>C on the coding strand, the complement: SDHB is on the minus strand). VCF-style: chr1-17027821-A-G. GRCh37 (hg19) VCF-style: chr1-17354316-A-G.
Identifiers: ClinVar variation 459148 (VCV000459148.13), dbSNP rs199718947, ClinGen allele CA18665949.